The following is an entry in ClinVar:

ClinVar aggregate classification (germline): Uncertain significance (1 of 4 stars; one submission).

Conditions:
Inborn genetic diseases. Identifiers: MedGen C0950123, MeSH D030342.

Submission:

Ambry Genetics
Classification: Uncertain significance for Inborn genetic diseases. Last evaluated: 2025-03-08. Review status: criteria provided, single submitter. Criteria: Ambry Variant Classification Scheme 2023. Collection method: clinical testing. Allele origin: germline.
Comment: The p.A922D variant (also known as c.2765C>A), located in coding exon 1 of the SAMD9 gene, results from a C to A substitution at nucleotide position 2765. The alanine at codon 922 is replaced by aspartic acid, an amino acid with dissimilar properties. This amino acid position is conserved. In addition, the in silico prediction for this alteration is inconclusive. Based on the available evidence, the clinical significance of this variant remains unclear.

NM_017654.4(SAMD9):c.2765C>A (p.Ala922Asp)

Gene: SAMD9 (sterile alpha motif domain containing 9; minus strand). Cytogenetic location: 7q21.2.
Variant type: single nucleotide variant.
Coding change: c.2765C>A on transcript NM_017654.4 (MANE Select); coding-DNA position 2765, C replaced by A.
Protein change: p.Ala922Asp; replaces alanine 922 with aspartic acid.
Molecular consequence: missense variant.
Genome position (GRCh38, 1-based): chr7:93,103,333, G>T on the plus strand (C>A on the coding strand, the complement: SAMD9 is on the minus strand). VCF-style: chr7-93103333-G-T. GRCh37 (hg19) VCF-style: chr7-92732646-G-T.
Other names: c.2765C>A, p.Ala922Asp (NM_001193307.2); short protein forms A922D.
Identifiers: ClinVar variation 3792158 (VCV003792158.1).
Genomic context (GRCh38, chr7:93,103,333, plus strand): 5'-AAGAATTTTTCACACTGTGATAGTGAAATGGTGGTATCAGGCACATATGAATTAAGAAGA[G>T]CCAGAAAAGAAAAGAGCTTTGCTTCCTTGGTGAAAATATTCTGCCCTTTCAGGATATTCC-3'
Protein context (NP_060124.2, residues 912-932): TKEAKLFSFL[Ala922Asp]LLNSYVPDTT